The following is an entry in ClinVar:

NM_000059.4(BRCA2):c.1083del (p.Asn361fs)

Gene: BRCA2 (BRCA2 DNA repair associated; plus strand). Cytogenetic location: 13q13.1.
Variant type: Deletion.
Coding change: c.1083del on transcript NM_000059.4 (MANE Select); coding-DNA position 1083, one base deleted (T; older notation c.1083delT).
Protein change: p.Asn361fs; shifts the reading frame from asparagine 361.
Molecular consequence: frameshift variant.
Genome position (GRCh38, 1-based): chr13:32,332,561, T deleted. VCF-style (leftmost placement, unchanged base first): chr13-32332560-AT-A. GRCh37 (hg19) VCF-style: chr13-32906697-AT-A.
Other names: c.1083delT, p.Asn361Lysfs (NM_001406719.1, NM_001406720.1, NM_001406721.1); short protein forms N361fs.
Identifiers: ClinVar variation 2108095 (VCV002108095.4), dbSNP rs2548519501, ClinGen allele CA2580086915.
Genomic context (GRCh38, chr13:32,332,560, plus strand): 5'-GTGAAAAATCTAAAAACCAAGTGAAAGAAAAATACTCATTTGTATCTGAAGTGGAACCAA[AT>A]GATACTGATCCATTAGATTCAAATGTAGCAAATCAGAAGCCCTTTGAGAGTGGAAGTGAC-3'

ClinVar aggregate classification (germline): Pathogenic (1 of 4 stars; one submission).

Conditions:
Hereditary breast ovarian cancer syndrome. Also called: Hereditary breast and ovarian cancer syndrome; BRCA1- and BRCA2-Associated Hereditary Breast and Ovarian Cancer; Hereditary breast and ovarian cancer; Hereditary breast and/or ovarian cancer syndrome; Hereditary breast and ovarian cancer syndrome (HBOC); Breast and ovarian cancer. Identifiers: Orphanet 145, MedGen C0677776, MeSH D061325, MONDO:0003582. Disease mechanism: loss of function.

Submission:

Labcorp Genetics (formerly Invitae), Labcorp
Classification: Pathogenic for Hereditary breast ovarian cancer syndrome. Last evaluated: 2022-11-04. Review status: criteria provided, single submitter. Criteria: Invitae Variant Classification Sherloc (09022015). Collection method: clinical testing. Allele origin: germline.
Comment: This variant is not present in population databases (gnomAD no frequency). For these reasons, this variant has been classified as Pathogenic. This variant has not been reported in the literature in individuals affected with BRCA2-related conditions. This sequence change creates a premature translational stop signal (p.Asn361Lysfs*6) in the BRCA2 gene. It is expected to result in an absent or disrupted protein product. Loss-of-function variants in BRCA2 are known to be pathogenic (PMID: 20104584).

Literature cited by the submitters: PubMed 20104584.